The following is an entry in ClinVar:

NM_000878.5(IL2RB):c.1202C>T (p.Thr401Ile)

Gene: IL2RB (interleukin 2 receptor subunit beta; minus strand). Cytogenetic location: 22q12.3.
Variant type: single nucleotide variant.
Coding change: c.1202C>T on transcript NM_000878.5 (MANE Select); coding-DNA position 1202, C replaced by T.
Protein change: p.Thr401Ile; replaces threonine 401 with isoleucine.
Molecular consequence: missense variant.
Genome position (GRCh38, 1-based): chr22:37,128,550, G>A on the plus strand (C>T on the coding strand, the complement: IL2RB is on the minus strand). VCF-style: chr22-37128550-G-A. GRCh37 (hg19) VCF-style: chr22-37524590-G-A.
Other names: c.1202C>T, p.Thr401Ile (NM_001346222.1, NM_001346223.2); short protein forms T401I.
Identifiers: ClinVar variation 3860283 (VCV003860283.2).
Genomic context (GRCh38, chr22:37,128,550, plus strand): 5'-AAGGTGCAGTAGGCGTCGTCCTCCCCTGACAGAGGCTGCAGGGGTTGGGGGGAAGACCCT[G>A]TGGGTGCCCCGGCCACACCCTCATCAGGGTCTTCCTCTGAGTAGGGGTCGTAAGTAAAGT-3'
Protein context (NP_000869.1, residues 391-411): DPDEGVAGAP[Thr401Ile]GSSPQPLQPL

ClinVar aggregate classification (germline): Uncertain significance. Review status: criteria provided, multiple submitters, no conflicts (2 of 4 stars). 2 submissions from 2 submitters: Uncertain significance (2). Last evaluated 2025-12-30.

Submissions (2):

Labcorp Genetics (formerly Invitae), Labcorp
Classification: Uncertain significance. Last evaluated: 2025-12-30. Review status: criteria provided, single submitter. Criteria: Invitae Variant Classification Sherloc (09022015). Collection method: clinical testing. Allele origin: germline.
Comment: This sequence change replaces threonine, which is neutral and polar, with isoleucine, which is neutral and non-polar, at codon 401 of the IL2RB protein (p.Thr401Ile). This variant is not present in population databases (gnomAD no frequency). This variant has not been reported in the literature in individuals affected with IL2RB-related conditions. ClinVar contains an entry for this variant (Variation ID: 3860283). An algorithm developed to predict the effect of missense changes on protein structure and function (PolyPhen-2) suggests that this variant is likely to be tolerated. In summary, the available evidence is currently insufficient to determine the role of this variant in disease. Therefore, it has been classified as a Variant of Uncertain Significance.

Ambry Genetics
Classification: Uncertain significance. Last evaluated: 2024-12-20. Review status: criteria provided, single submitter. Criteria: Ambry Variant Classification Scheme 2023. Collection method: clinical testing. Allele origin: germline.